The following is an entry in ClinVar:

NM_032531.4(KIRREL3):c.2151C>T (p.Ser717=)

Gene: KIRREL3 (kirre like nephrin family adhesion molecule 3; minus strand). Cytogenetic location: 11q24.2.
Variant type: single nucleotide variant.
Coding change: c.2151C>T on transcript NM_032531.4 (MANE Select); coding-DNA position 2151, C replaced by T.
Protein change: p.Ser717=; no amino-acid change (serine 717 retained).
Molecular consequence: synonymous variant.
Genome position (GRCh38, 1-based): chr11:126,424,766, G>A on the plus strand (C>T on the coding strand, the complement: KIRREL3 is on the minus strand). VCF-style: chr11-126424766-G-A. GRCh37 (hg19) VCF-style: chr11-126294661-G-A.
Other names: c.2115C>T, p.Ser705= (NM_001301097.2).
Identifiers: ClinVar variation 129426 (VCV000129426.11), dbSNP rs34844660, ClinGen allele CA153412.
Genomic context (GRCh38, chr11:126,424,766, plus strand): 5'-CTGCTTGCCGCTGCTGCTGACGCTGCTGTCACACTGCGTGTCCAGGAAGGAGCTGCTGTC[G>A]CTGAGGGAGCCTCTCTGGAACTCCCGCTCACAAAGCTCGATGGACGAGCTGCCCATGCCC-3'
Protein context (NP_115920.1, residues 707-727): CEREFQRGSL[Ser717=]DSSSFLDTQC

ClinVar aggregate classification (germline): Benign. Review status: criteria provided, multiple submitters, no conflicts (2 of 4 stars). 3 submissions from 3 submitters: Benign (2). 1 of the submissions does not count toward it. Last evaluated 2019-12-31.

Allele frequency attached by ClinVar (database versions not stated): ESP Exome Variant Server 0.01147; gnomAD exomes 0.00268 and 0.00106; gnomAD 0.01083 and 0.01021; 1000 Genomes Project 0.01378; 1000 Genomes Project 30x 0.01452; ExAC 0.00311; TOPMed 0.01155.
gnomAD v4.1: 3,138 of 1,614,032 alleles (0.19%); highest among the groups gnomAD compares: African/African-American, 3.6%; 51 homozygotes.

Submissions (3):

Labcorp Genetics (formerly Invitae), Labcorp
Classification: Benign. Last evaluated: 2019-12-31. Review status: criteria provided, single submitter. Criteria: Invitae Variant Classification Sherloc (09022015). Collection method: clinical testing. Allele origin: germline.

Breakthrough Genomics
Classification: Benign. Review status: criteria provided, single submitter. Criteria: ACMG Guidelines, 2015. Collection method: not provided. Allele origin: germline. Inheritance: Unknown mechanism. Affected: yes.

Genetic Services Laboratory, University of Chicago
Classification: Likely benign for AllHighlyPenetrant. Review status: no assertion criteria provided. Collection method: clinical testing. Allele origin: germline. Inheritance: Autosomal dominant inheritance. Not counted in ClinVar's aggregate classification.
Comment: Likely benign based on allele frequency in 1000 Genomes Project or ESP global frequency and its presence in a patient with a rare or unrelated disease phenotype. NOT Sanger confirmed.